The following is an entry in ClinVar:

ClinVar aggregate classification (germline): Uncertain significance (1 of 4 stars; one submission).

Conditions:
Emery-Dreifuss muscular dystrophy 5, autosomal dominant (EDMD5). Also called: EMERY-DREIFUSS MUSCULAR DYSTROPHY 5. Identifiers: Orphanet 261, MedGen C2751805, MONDO:0013072, OMIM 612999.

Allele frequency attached by ClinVar (database versions not stated): ExAC 0.00002; gnomAD 0.00002; TOPMed 0.00002; ESP Exome Variant Server 0.00008.
gnomAD v4.1: 6 of 1,614,024 alleles (0.00037%); highest among the groups gnomAD compares: African/African-American, 0.0067%; no homozygotes.

Submission:

Labcorp Genetics (formerly Invitae), Labcorp
Classification: Uncertain significance for Emery-Dreifuss muscular dystrophy 5, autosomal dominant. Last evaluated: 2023-04-21. Review status: criteria provided, single submitter. Criteria: Invitae Variant Classification Sherloc (09022015). Collection method: clinical testing. Allele origin: germline.
Comment: In summary, the available evidence is currently insufficient to determine the role of this variant in disease. Therefore, it has been classified as a Variant of Uncertain Significance. Algorithms developed to predict the effect of missense changes on protein structure and function output the following: SIFT: "Not Available"; PolyPhen-2: "Benign"; Align-GVGD: "Not Available". The phenylalanine amino acid residue is found in multiple mammalian species, which suggests that this missense change does not adversely affect protein function. This variant has not been reported in the literature in individuals affected with SYNE2-related conditions. This variant is present in population databases (rs372993403, gnomAD 0.01%). This sequence change replaces leucine, which is neutral and non-polar, with phenylalanine, which is neutral and non-polar, at codon 6870 of the SYNE2 protein (p.Leu6870Phe).

NM_182914.3(SYNE2):c.20608C>T (p.Leu6870Phe)

Gene: SYNE2 (spectrin repeat containing nuclear envelope protein 2; plus strand). Cytogenetic location: 14q23.2.
Variant type: single nucleotide variant.
Coding change: c.20608C>T on transcript NM_182914.3 (MANE Select); coding-DNA position 20608, C replaced by T.
Protein change: p.Leu6870Phe; replaces leucine 6870 with phenylalanine.
Molecular consequence: missense variant.
Genome position (GRCh38, 1-based): chr14:64,225,410, C>T. VCF-style: chr14-64225410-C-T. GRCh37 (hg19) VCF-style: chr14-64692128-C-T.
Other names: c.20542C>T, p.Leu6848Phe (NM_015180.6); c.1174C>T, p.Leu392Phe (NM_182910.2); c.1555C>T, p.Leu519Phe (NM_182913.4); short protein forms L6848F, L392F, L519F, L6870F.
Identifiers: ClinVar variation 3023141 (VCV003023141.3), dbSNP rs372993403, ClinGen allele CA7224972.